The following is an entry in ClinVar:

NM_017763.6(RNF43):c.1273T>C (p.Ser425Pro)

Gene: RNF43 (ring finger protein 43; minus strand). Cytogenetic location: 17q22.
Variant type: single nucleotide variant.
Coding change: c.1273T>C on transcript NM_017763.6 (MANE Select); coding-DNA position 1273, T replaced by C.
Protein change: p.Ser425Pro; replaces serine 425 with proline.
Molecular consequence: missense variant.
Genome position (GRCh38, 1-based): chr17:58,358,503, A>G on the plus strand (T>C on the coding strand, the complement: RNF43 is on the minus strand). VCF-style: chr17-58358503-A-G. GRCh37 (hg19) VCF-style: chr17-56435864-A-G.
Other names: c.1273T>C (NM_017763.4); c.1273T>C, p.Ser425Pro (NM_001305544.3); c.892T>C, p.Ser298Pro (NM_001305545.2); short protein forms S425P, S298P.
Identifiers: ClinVar variation 3582374 (VCV003582374.2).

ClinVar aggregate classification (germline): Uncertain significance. Review status: criteria provided, multiple submitters, no conflicts (2 of 4 stars). 2 submissions from 2 submitters: Uncertain significance (2). Last evaluated 2026-07-26.

Conditions:
Sessile serrated polyposis cancer syndrome (SSPCS). Identifiers: Orphanet 157798, MedGen C4310714, MONDO:0014919, OMIM 617108.

Submissions (2):

Ambry Genetics
Classification: Uncertain significance. Last evaluated: 2026-07-26. Review status: criteria provided, single submitter. Criteria: Ambry Variant Classification Scheme 2023. Collection method: clinical testing. Allele origin: germline.
Comment: The p.S425P variant (also known as c.1273T>C), located in coding exon 8 of the RNF43 gene, results from a T to C substitution at nucleotide position 1273. The serine at codon 425 is replaced by proline, an amino acid with similar properties. This amino acid position is conserved. In addition, this alteration is predicted to be tolerated by in silico analysis. Based on the available evidence, the clinical significance of this variant remains unclear.

Fulgent Genetics
Classification: Uncertain significance for Sessile serrated polyposis cancer syndrome. Last evaluated: 2024-04-11. Review status: criteria provided, single submitter. Criteria: ACMG Guidelines, 2015. Collection method: clinical testing. Allele origin: germline.